The following is an entry in ClinVar:

ClinVar aggregate classification (germline): Benign/Likely benign. Review status: criteria provided, multiple submitters, no conflicts (2 of 4 stars). 8 submissions from 8 submitters: Benign (3); Likely benign (1). 4 of the submissions do not count toward it. Last evaluated 2026-06-01.

Conditions:
CEP120-related disorder. Also called: CEP120-related condition; CEP120-Related Disorders.
Short-rib thoracic dysplasia 13 with or without polydactyly (SRTD13). Identifiers: Orphanet 474, MedGen C4225378, MONDO:0014577, OMIM 616300.
Joubert syndrome 31. Identifiers: MedGen C4540355, MONDO:0033310, OMIM 617761.

Allele frequency attached by ClinVar (database versions not stated): 1000 Genomes Project 30x 0.00156; 1000 Genomes Project 0.00180; TOPMed 0.00286; ESP Exome Variant Server 0.00331; ExAC 0.00355; gnomAD exomes 0.00377 and 0.00416; gnomAD 0.00398 and 0.00417.
gnomAD v4.1: 6,414 of 1,570,510 alleles (0.41%); highest among the groups gnomAD compares: Non-Finnish European, 0.44%; 23 homozygotes.

Submissions (8):

CeGaT Center for Human Genetics Tuebingen
Classification: Benign. Last evaluated: 2026-06-01. Review status: criteria provided, single submitter. Criteria: CeGaT Center For Human Genetics Tuebingen Variant Classification Criteria Version 2. Collection method: clinical testing. Allele origin: germline. Affected: yes. Observed: 16 variant alleles.
Comment: CEP120: BS1, BS2

Labcorp Genetics (formerly Invitae), Labcorp
Classification: Benign for Short-rib thoracic dysplasia 13 with or without polydactyly. Last evaluated: 2026-01-05. Review status: criteria provided, single submitter. Criteria: Invitae Variant Classification Sherloc (09022015). Collection method: clinical testing. Allele origin: germline.

Blueprint Genetics
Classification: Likely benign. Last evaluated: 2024-11-25. Review status: criteria provided, single submitter. Criteria: ACMG Guidelines, 2015. Collection method: clinical testing. Allele origin: germline.

GeneDx
Classification: Benign. Last evaluated: 2020-05-28. Review status: criteria provided, single submitter. Criteria: GeneDx Variant Classification Process June 2021. Collection method: clinical testing. Allele origin: germline. Affected: yes.
Comment: This variant is associated with the following publications: (PMID: 30988386, 27208211, 27270415)

PreventionGenetics, part of Exact Sciences
Classification: Likely benign for CEP120-related condition. Last evaluated: 2021-01-14. Review status: no assertion criteria provided. Collection method: clinical testing. Allele origin: germline. Not counted in ClinVar's aggregate classification.
Comment: This variant is classified as likely benign based on ACMG/AMP sequence variant interpretation guidelines (Richards et al. 2015 PMID: 25741868, with internal and published modifications).

OMIM
Classification: Pathogenic for JOUBERT SYNDROME 31. Last evaluated: 2018-02-09. Review status: no assertion criteria provided. Collection method: literature only. Allele origin: germline. Not counted in ClinVar's aggregate classification.

Clinical Genetics DNA and cytogenetics Diagnostics Lab, Erasmus MC, Erasmus Medical Center
Classification: Uncertain significance. Review status: no assertion criteria provided. Collection method: clinical testing. Allele origin: germline. Affected: yes. Study: VKGL Data-share Consensus. Not counted in ClinVar's aggregate classification.

Joint Genome Diagnostic Labs from Nijmegen and Maastricht, Radboudumc and MUMC+
Classification: Uncertain significance. Review status: no assertion criteria provided. Collection method: clinical testing. Allele origin: germline. Affected: yes. Study: VKGL Data-share Consensus. Not counted in ClinVar's aggregate classification.

Literature cited by the submitters: PubMed 27208211 (cited by OMIM).

NM_001375405.1(CEP120):c.2134C>T (p.Leu712Phe)

Gene: CEP120 (centrosomal protein 120; minus strand). Cytogenetic location: 5q23.2.
Variant type: single nucleotide variant.
Coding change: c.2134C>T on transcript NM_001375405.1 (MANE Select); coding-DNA position 2134, C replaced by T.
Protein change: p.Leu712Phe; replaces leucine 712 with phenylalanine.
Molecular consequence: missense variant. On other transcripts: non-coding transcript variant (1).
Genome position (GRCh38, 1-based): chr5:123,378,398, G>A on the plus strand (C>T on the coding strand, the complement: CEP120 is on the minus strand). VCF-style: chr5-123378398-G-A. GRCh37 (hg19) VCF-style: chr5-122714092-G-A.
Other names: CEP120, LEU712PHE (rs114280473); c.2056C>T, p.Leu686Phe (NM_001166226.2); c.1999C>T, p.Leu667Phe (NM_001375406.1); c.2134C>T, p.Leu712Phe (NM_001375407.1, NM_153223.4); c.1561C>T, p.Leu521Phe (NM_001375408.1, NM_001375409.1); short protein forms L712F, L686F, L521F, L667F.
Identifiers: ClinVar variation 446145 (VCV000446145.43), dbSNP rs114280473, ClinGen allele CA3386734.